The following is an entry in ClinVar:

ClinVar aggregate classification (germline): Uncertain significance (1 of 4 stars; one submission).

Conditions:
Kleefstra syndrome 1 (KLEFS1). Identifiers: Orphanet 261494, MedGen C0795833, MONDO:0027407, OMIM 610253.

gnomAD v4.1: 2 of 1,613,256 alleles (0.00012%); highest among the groups gnomAD compares: Non-Finnish European, 0.00017%; no homozygotes.

Submission:

Labcorp Genetics (formerly Invitae), Labcorp
Classification: Uncertain significance for Kleefstra syndrome 1. Last evaluated: 2025-05-22. Review status: criteria provided, single submitter. Criteria: Invitae Variant Classification Sherloc (09022015). Collection method: clinical testing. Allele origin: germline.
Comment: This sequence change replaces valine, which is neutral and non-polar, with methionine, which is neutral and non-polar, at codon 1210 of the EHMT1 protein (p.Val1210Met). This variant is not present in population databases (gnomAD no frequency). This variant has not been reported in the literature in individuals affected with EHMT1-related conditions. Invitae Evidence Modeling of protein sequence and biophysical properties (such as structural, functional, and spatial information, amino acid conservation, physicochemical variation, residue mobility, and thermodynamic stability) indicates that this missense variant is expected to disrupt EHMT1 protein function with a positive predictive value of 80%. In summary, the available evidence is currently insufficient to determine the role of this variant in disease. Therefore, it has been classified as a Variant of Uncertain Significance.

NM_024757.5(EHMT1):c.3628G>A (p.Val1210Met)

Gene: EHMT1 (euchromatic histone lysine methyltransferase 1; plus strand). Cytogenetic location: 9q34.3.
Variant type: single nucleotide variant.
Coding change: c.3628G>A on transcript NM_024757.5 (MANE Select); coding-DNA position 3628, G replaced by A.
Protein change: p.Val1210Met; replaces valine 1210 with methionine.
Molecular consequence: missense variant.
Genome position (GRCh38, 1-based): chr9:137,834,436, G>A. VCF-style: chr9-137834436-G-A. GRCh37 (hg19) VCF-style: chr9-140728888-G-A.
Other names: c.3607G>A, p.Val1203Met (NM_001354263.2); short protein forms V1203M, V1210M.
Identifiers: ClinVar variation 4803430 (VCV004803430.1).
Genomic context (GRCh38, chr9:137,834,436, plus strand): 5'-CGGTTCTACGGGAACGTCAGCCGGTTCATCAACCACCACTGCGAGCCCAACCTGGTGCCC[G>A]TGCGCGTGTTCATGGCCCACCAGGACCTGCGGTTCCCCCGGATCGCCTTCTTCAGCACCC-3'
Protein context (NP_079033.4, residues 1200-1220): NHHCEPNLVP[Val1210Met]RVFMAHQDLR